The following is an entry in ClinVar:

NM_000512.5(GALNS):c.1482+4A>G

Genes: GALNS (galactosamine (N-acetyl)-6-sulfatase; minus strand), LOC126862447 (CDK7 strongly-dependent group 2 enhancer GRCh37_chr16:88884193-88885392; plus strand). Cytogenetic location: 16q24.3.
Variant type: single nucleotide variant.
Coding change: c.1482+4A>G on transcript NM_000512.5 (MANE Select); 4 bases into the intron after coding-DNA position 1482, A replaced by G.
Molecular consequence: intron variant.
Genome position (GRCh38, 1-based): chr16:88,818,003, T>C on the plus strand (A>G on the coding strand, the complement: GALNS is on the minus strand). VCF-style: chr16-88818003-T-C. GRCh37 (hg19) VCF-style: chr16-88884411-T-C.
Other names: c.927+4A>G (NM_001323543.2); c.1500+4A>G (NM_001323544.2).
Identifiers: ClinVar variation 856722 (VCV000856722.15), dbSNP rs377407678, ClinGen allele CA8234655.
Genomic context (GRCh38, chr16:88,818,003, plus strand): 5'-TGGGCCCCGGGTGGGTGGCTGCAGCCCCGGCAAAGAGACGGCCGCCCACACACCAGCCAC[T>C]TACCATGACCGCCCAGTTGCACACGTTGAGCTGGGGCTGCGCGGGGACCAAGGCCTCCTG-3'

ClinVar aggregate classification (germline): Conflicting classifications of pathogenicity. Review status: criteria provided, conflicting classifications (1 of 4 stars). 6 submissions from 6 submitters: Uncertain significance (5); Likely benign (1). Last evaluated 2025-01-03.

Conditions:
GALNS-related disorder. Also called: GALNS-related condition.
Mucopolysaccharidosis, MPS-IV-A (MPS4A). Also called: MORQUIO SYNDROME A; Morquio syndrome A, mild; Mucopolysaccharidosis type IV A; MORQUIO A DISEASE; mucopolysaccharidosis type 4A; GALACTOSAMINE-6-SULFATASE DEFICIENCY. Identifiers: Orphanet 309297, Orphanet 582, MedGen C0086651, MONDO:0009659, OMIM 253000.

Allele frequency attached by ClinVar (database versions not stated): ESP Exome Variant Server 0.00008; TOPMed 0.00020; gnomAD exomes 0.00023 and 0.00024; gnomAD 0.00026; ExAC 0.00056.
gnomAD v4.1: 361 of 1,578,542 alleles (0.023%); highest among the groups gnomAD compares: Non-Finnish European, 0.023%; no homozygotes.

Submissions (7):

PreventionGenetics, part of Exact Sciences
Classification: Likely benign for GALNS-related condition. Last evaluated: 2025-01-03. Review status: criteria provided, single submitter. Criteria: ACMG Guidelines, 2015. Collection method: clinical testing. Allele origin: germline.
Comment: This variant is classified as likely benign based on ACMG/AMP sequence variant interpretation guidelines (Richards et al. 2015 PMID: 25741868, with internal and published modifications).

Labcorp Genetics (formerly Invitae), Labcorp
Classification: Uncertain significance for Mucopolysaccharidosis, MPS-IV-A. Last evaluated: 2024-11-13. Review status: criteria provided, single submitter. Criteria: Invitae Variant Classification Sherloc (09022015). Collection method: clinical testing. Allele origin: germline.
Comment: This sequence change falls in intron 13 of the GALNS gene. It does not directly change the encoded amino acid sequence of the GALNS protein. It affects a nucleotide within the consensus splice site. This variant is present in population databases (rs377407678, gnomAD 0.2%). This variant has not been reported in the literature in individuals affected with GALNS-related conditions. ClinVar contains an entry for this variant (Variation ID: 856722). Variants that disrupt the consensus splice site are a relatively common cause of aberrant splicing (PMID: 17576681, 9536098). Algorithms developed to predict the effect of sequence changes on RNA splicing suggest that this variant is not likely to affect RNA splicing. In summary, the available evidence is currently insufficient to determine the role of this variant in disease. Therefore, it has been classified as a Variant of Uncertain Significance.

Blueprint Genetics
Classification: Uncertain significance. Last evaluated: 2024-03-28. Review status: criteria provided, single submitter. Criteria: ACMG Guidelines, 2015. Collection method: clinical testing. Allele origin: germline.

Women's Health and Genetics/Laboratory Corporation of America, LabCorp
Classification: Uncertain significance. Last evaluated: 2023-02-10. Review status: criteria provided, single submitter. Criteria: LabCorp Variant Classification Summary - May 2015. Collection method: clinical testing. Allele origin: germline.

Genome-Nilou Lab
Classification: Uncertain significance for Mucopolysaccharidosis, MPS-IV-A. Last evaluated: 2021-11-07. Review status: criteria provided, single submitter. Criteria: ACMG Guidelines, 2015. Collection method: clinical testing. Allele origin: germline. Affected: no.

Illumina Laboratory Services, Illumina
Classification: Uncertain significance for Mucopolysaccharidosis, MPS-IV-A. Last evaluated: 2018-01-12. Review status: criteria provided, single submitter. Criteria: ICSL Variant Classification Criteria 13 December 2019. Collection method: clinical testing. Allele origin: germline.

Dr. Peter K. Rogan Lab, Western University
No classification provided (evidence only). Condition: Cervical cancer. Review status: no classification provided. Collection method: in vitro. Allele origin: not applicable. Functional consequence: retained intron. Not counted in ClinVar's aggregate classification.

Literature cited by the submitters: PubMed 17576681 (cited by Labcorp Genetics (formerly Invitae), Labcorp); PubMed 9536098 (cited by Labcorp Genetics (formerly Invitae), Labcorp).